The following is an entry in ClinVar:

ClinVar aggregate classification (germline): Likely benign (1 of 4 stars; one submission).

Conditions:
Intellectual developmental disorder, autosomal dominant 38. Also called: PSYCHOMOTOR RETARDATION, EPILEPSY, AND LANGUAGE DISABILITY SYNDROME; Intellectual disability, autosomal dominant 38. Identifiers: MedGen C4225343, MONDO:0014617, OMIM 616393.

Submission:

Victorian Clinical Genetics Services, Murdoch Childrens Research Institute
Classification: Likely benign for Intellectual developmental disorder, autosomal dominant 38. Last evaluated: 2022-03-31. Review status: criteria provided, single submitter. Criteria: ACMG Guidelines, 2015. Collection method: clinical testing. Allele origin: germline. Inheritance: Autosomal dominant inheritance.
Comment: Based on the classification scheme VCGS_Germline_v1.3.4, this variant is classified as Likely benign. Following criteria are met: 0105 - The mechanism of disease for this gene is not clearly established. However, gain-of-function has been suggested (PMID: 32160274). (I) 0107 - This gene is known to be associated with autosomal dominant disease. (I) 0200 - Variant is predicted to result in a missense amino acid change from valine to alanine. (I) 0251 - Variant is heterozygous. (I) 0301 - Variant is absent from gnomAD (both v2 and v3). (SP) 0502 - Missense variant with conflicting in silico predictions and uninformative conservation. (I) 0603 - Missense variant in a region that is highly intolerant to missense variation (high constraint region in DECIPHER). (SP) 0705 - No comparable missense variants have previous evidence for pathogenicity. (I) 0807 - This variant has no previous evidence of pathogenicity. (I) 0905 - No published segregation evidence has been identified for this variant. (I) 1007 - No published functional evidence has been identified for this variant. (I) Legend: (SP) - Supporting pathogenic, (I) - Information, (SB) - Supporting benign

Literature cited by the submitters: PubMed 32160274.

NM_001958.5(EEF1A2):c.866T>C (p.Val289Ala)

Gene: EEF1A2 (eukaryotic translation elongation factor 1 alpha 2; minus strand). Cytogenetic location: 20q13.33.
Variant type: single nucleotide variant.
Coding change: c.866T>C on transcript NM_001958.5 (MANE Select); coding-DNA position 866, T replaced by C.
Protein change: p.Val289Ala; replaces valine 289 with alanine.
Molecular consequence: missense variant.
Genome position (GRCh38, 1-based): chr20:63,490,642, A>G on the plus strand (T>C on the coding strand, the complement: EEF1A2 is on the minus strand). VCF-style: chr20-63490642-A-G. GRCh37 (hg19) VCF-style: chr20-62121995-A-G.
Other names: short protein forms V289A.
Identifiers: ClinVar variation 1805716 (VCV001805716.1), dbSNP rs1600903544, ClinGen allele CA409647803.